The following is an entry in ClinVar:

NM_001161352.2(KCNMA1):c.36CGG[5] (p.Gly19_Gly20del)

Gene: KCNMA1 (potassium calcium-activated channel subfamily M alpha 1; minus strand). Cytogenetic location: 10q22.3.
Variant type: Microsatellite.
Coding change: c.36CGG[5] on transcript NM_001161352.2 (MANE Select); five copies in a row of the 3-base unit CGG starting at c.36; the reference has seven copies in a row; two copies, 6 bases deleted.
Protein change: p.Gly19_Gly20del.
Molecular consequence: inframe deletion. On other transcripts: inframe indel (1).
Genome position (GRCh38, 1-based): chr10:77,637,587-77,637,592, CCGCCG deleted on the plus strand (CGGCGG on the coding strand, the reverse complement: KCNMA1 is on the minus strand); deleting any 6 consecutive bases within chr10:77,637,587-77,637,608 gives the same sequence; the position shown is the placement nearest the transcript's 3' end. VCF-style (leftmost placement, unchanged base first): chr10-77637586-TCCGCCG-T. GRCh37 (hg19) VCF-style: chr10-79397344-TCCGCCG-T.
Other names: c.36CGG[5], p.Gly19_Gly20del (NM_001014797.3, NM_001161353.2, NM_001271518.2 and 12 more transcripts); c.35_37GCG[5], p.Gly19_Gly20del (NM_001410940.1); c.51_56del (NM_002247.4).
Identifiers: ClinVar variation 2433010 (VCV002433010.5), dbSNP rs760628050, ClinGen allele CA594712748.

ClinVar aggregate classification (germline): Uncertain significance. Review status: criteria provided, multiple submitters, no conflicts (2 of 4 stars). 2 submissions from 2 submitters: Uncertain significance (2). Last evaluated 2025-12-13.

Conditions:
Generalized epilepsy-paroxysmal dyskinesia syndrome (PNKD3). Also called: Generalized epilepsy and paroxysmal dyskinesia; Paroxysmal nonkinesigenic dyskinesia, 3, with or without generalized epilepsy. Identifiers: Orphanet 79137, MedGen C5574945, MONDO:0012276, OMIM 609446.

Submissions (2):

Labcorp Genetics (formerly Invitae), Labcorp
Classification: Uncertain significance for Generalized epilepsy-paroxysmal dyskinesia syndrome. Last evaluated: 2025-12-13. Review status: criteria provided, single submitter. Criteria: Invitae Variant Classification Sherloc (09022015). Collection method: clinical testing. Allele origin: germline.
Comment: This variant, c.51_56del, results in the deletion of 2 amino acid(s) of the KCNMA1 protein (p.Gly19_Gly20del), but otherwise preserves the integrity of the reading frame. The frequency data for this variant in the population databases is considered unreliable, as metrics indicate poor data quality at this position in the gnomAD database. This variant has not been reported in the literature in individuals affected with KCNMA1-related conditions. ClinVar contains an entry for this variant (Variation ID: 2433010). Experimental studies and prediction algorithms are not available or were not evaluated, and the functional significance of this variant is currently unknown. In summary, the available evidence is currently insufficient to determine the role of this variant in disease. Therefore, it has been classified as a Variant of Uncertain Significance.

Revvity Omics, Revvity
Classification: Uncertain significance. Last evaluated: 2020-12-08. Review status: criteria provided, single submitter. Criteria: ACMG Guidelines, 2015. Collection method: clinical testing. Allele origin: germline.